The following is an entry in ClinVar:

NM_001370466.1(NOD2):c.1330C>T (p.Arg444Cys)

Gene: NOD2 (nucleotide binding oligomerization domain containing 2; plus strand). Cytogenetic location: 16q12.1.
Variant type: single nucleotide variant.
Coding change: c.1330C>T on transcript NM_001370466.1 (MANE Select); coding-DNA position 1330, C replaced by T.
Protein change: p.Arg444Cys; replaces arginine 444 with cysteine.
Molecular consequence: missense variant. On other transcripts: non-coding transcript variant (1).
Genome position (GRCh38, 1-based): chr16:50,711,322, C>T. VCF-style: chr16-50711322-C-T. GRCh37 (hg19) VCF-style: chr16-50745233-C-T.
Other names: c.1330C>T, p.Arg444Cys (NM_001293557.2); c.1411C>T, p.Arg471Cys (NM_022162.3); c.1411C>T (LRG_177t1); short protein forms R471C, R444C.
Identifiers: ClinVar variation 319446 (VCV000319446.32), dbSNP rs1078327, ClinGen allele CA8051541.

ClinVar aggregate classification (germline): Benign/Likely benign. Review status: criteria provided, multiple submitters, no conflicts (2 of 4 stars). 8 submissions from 7 submitters: Benign (2); Likely benign (5). 1 of the submissions does not count toward it. Last evaluated 2026-01-06.

Conditions:
NOD2-related disorder. Also called: NOD2-related condition.
Autoinflammatory syndrome. Identifiers: Orphanet 93665, MedGen C3890737, MONDO:0019751.
Inflammatory bowel disease 1 (IBD1). Also called: INFLAMMATORY BOWEL DISEASE (CROHN DISEASE) 1; Inflammatory bowel disease 1, Crohn disease. Identifiers: MedGen CN260071, MONDO:0009960, OMIM 266600.
Blau syndrome (BLAUS). Also called: GRANULOMATOSIS, FAMILIAL JUVENILE SYSTEMIC; GRANULOMATOSIS, FAMILIAL, BLAU TYPE; GRANULOMATOUS INFLAMMATORY ARTHRITIS, DERMATITIS, AND UVEITIS, FAMILIAL; JABS SYNDROME; ARTHROCUTANEOUVEAL GRANULOMATOSIS. Identifiers: Orphanet 90340, MedGen C5201146, MONDO:0008523, OMIM 186580.
Regional enteritis. Also called: Enteritis, Granulomatous. Identifiers: MedGen C0678202, MeSH D003424.

Allele frequency attached by ClinVar (database versions not stated): ESP Exome Variant Server 0.00023; gnomAD 0.00057 and 0.00081; gnomAD exomes 0.00057 and 0.00149; TOPMed 0.00102; ExAC 0.00129; 1000 Genomes Project 30x 0.00312; 1000 Genomes Project 0.00339.
gnomAD v4.1: 997 of 1,613,704 alleles (0.062%); highest among the groups gnomAD compares: East Asian, 1.6%; 11 homozygotes.

Submissions (8):

Labcorp Genetics (formerly Invitae), Labcorp
Classification: Benign for Regional enteritis; Blau syndrome. Last evaluated: 2026-01-06. Review status: criteria provided, single submitter. Criteria: Invitae Variant Classification Sherloc (09022015). Collection method: clinical testing. Allele origin: germline.

ARUP Laboratories, Molecular Genetics and Genomics, ARUP Laboratories
Classification: Likely benign. Last evaluated: 2025-05-15. Review status: criteria provided, single submitter. Criteria: ARUP Molecular Germline Variant Investigation Process 2024. Collection method: clinical testing. Allele origin: germline.

Blueprint Genetics
Classification: Likely benign. Last evaluated: 2024-11-27. Review status: criteria provided, single submitter. Criteria: ACMG Guidelines, 2015. Collection method: clinical testing. Allele origin: germline.

Genome Diagnostics Laboratory, The Hospital for Sick Children
Classification: Likely benign for Autoinflammatory syndrome. Last evaluated: 2022-03-14. Review status: criteria provided, single submitter. Criteria: ACMG Guidelines, 2015. Collection method: clinical testing. Allele origin: germline. Affected: yes.

Illumina Laboratory Services, Illumina
Classification: Likely benign for Inflammatory bowel disease 1. Last evaluated: 2018-01-12. Review status: criteria provided, single submitter. Criteria: ICSL Variant Classification Criteria 13 December 2019. Collection method: clinical testing. Allele origin: germline.
Comment: This variant was observed in the ICSL laboratory as part of a predisposition screen in an ostensibly healthy population. It had not been previously curated by ICSL or reported in the Human Gene Mutation Database (HGMD: prior to June 1st, 2018), and was therefore a candidate for classification through an automated scoring system. Utilizing variant allele frequency, disease prevalence and penetrance estimates, and inheritance mode, an automated score was calculated to assess if this variant is too frequent to cause the disease. Based on the score and internal cut-off values, a variant classified as likely benign is not then subjected to further curation. The score for this variant resulted in a classification of likely benign for this disease.

Illumina Laboratory Services, Illumina
Classification: Benign for Blau syndrome. Last evaluated: 2018-01-12. Review status: criteria provided, single submitter. Criteria: ICSL Variant Classification Criteria 13 December 2019. Collection method: clinical testing. Allele origin: germline.
Comment: This variant was observed in the ICSL laboratory as part of a predisposition screen in an ostensibly healthy population. It had not been previously curated by ICSL or reported in the Human Gene Mutation Database (HGMD: prior to June 1st, 2018), and was therefore a candidate for classification through an automated scoring system. Utilizing variant allele frequency, disease prevalence and penetrance estimates, and inheritance mode, an automated score was calculated to assess if this variant is too frequent to cause the disease. Based on the score and internal cut-off values, a variant classified as benign is not then subjected to further curation. The score for this variant resulted in a classification of benign for this disease.

Breakthrough Genomics
Classification: Likely benign. Review status: criteria provided, single submitter. Criteria: ACMG Guidelines, 2015. Collection method: not provided. Allele origin: germline. Inheritance: Autosomal dominant inheritance. Affected: yes.

PreventionGenetics, part of Exact Sciences
Classification: Likely benign for NOD2-related condition. Last evaluated: 2022-07-15. Review status: no assertion criteria provided. Collection method: clinical testing. Allele origin: germline. Not counted in ClinVar's aggregate classification.
Comment: This variant is classified as likely benign based on ACMG/AMP sequence variant interpretation guidelines (Richards et al. 2015 PMID: 25741868, with internal and published modifications).